The following is an entry in ClinVar:

NM_000393.5(COL5A2):c.3006A>T (p.Gly1002=)

Gene: COL5A2 (collagen type V alpha 2 chain; minus strand). Cytogenetic location: 2q32.2.
Variant type: single nucleotide variant.
Coding change: c.3006A>T on transcript NM_000393.5 (MANE Select); coding-DNA position 3006, A replaced by T.
Protein change: p.Gly1002=; no amino-acid change (glycine 1002 retained).
Molecular consequence: synonymous variant.
Genome position (GRCh38, 1-based): chr2:189,050,602, T>A on the plus strand (A>T on the coding strand, the complement: COL5A2 is on the minus strand). VCF-style: chr2-189050602-T-A. GRCh37 (hg19) VCF-style: chr2-189915328-T-A.
Identifiers: ClinVar variation 798246 (VCV000798246.18), dbSNP rs756259584, ClinGen allele CA2022139.

ClinVar aggregate classification (germline): Likely benign. Review status: criteria provided, multiple submitters, no conflicts (2 of 4 stars). 3 submissions from 3 submitters: Likely benign (3). Last evaluated 2026-01-31.

Conditions:
Ehlers-Danlos syndrome, classic type, 1 (EDSCL1). Also called: Ehlers-Danlos syndrome, type 1; Ehlers-Danlos Syndrome, Classic Type, COL5A1-Related; EDS I; EHLERS-DANLOS SYNDROME, GRAVIS TYPE; EHLERS-DANLOS SYNDROME, SEVERE CLASSIC TYPE. Identifiers: MedGen C0268335, MONDO:0019567, OMIM 130000.
Familial thoracic aortic aneurysm and aortic dissection (TAAD). Also called: Thoracic aortic aneurysms and dissections. Identifiers: Orphanet 91387, MedGen C4707243, MONDO:0019625.
Ehlers-Danlos syndrome, classic type, 2 (EDSCL2). Also called: Ehlers-Danlos syndrome, type 2; Ehlers-Danlos Syndrome, Classic Type, COL5A2-Related; Ehlers-Danlos syndrome type 2 (formerly). Identifiers: Orphanet 287, Orphanet 90318, MedGen C0268336, MONDO:0019568, OMIM 130010.

Allele frequency attached by ClinVar (database versions not stated): gnomAD 0.00001; gnomAD exomes 0.00002; TOPMed 0.00002; ExAC 0.00010.
gnomAD v4.1: 25 of 1,551,988 alleles (0.0016%); highest among the groups gnomAD compares: Non-Finnish European, 0.00035%; no homozygotes.

Submissions (3):

Labcorp Genetics (formerly Invitae), Labcorp
Classification: Likely benign for Ehlers-Danlos syndrome, classic type, 1. Last evaluated: 2026-01-31. Review status: criteria provided, single submitter. Criteria: Invitae Variant Classification Sherloc (09022015). Collection method: clinical testing. Allele origin: germline.

Ambry Genetics
Classification: Likely benign for Familial thoracic aortic aneurysm and aortic dissection. Last evaluated: 2020-02-18. Review status: criteria provided, single submitter. Criteria: Ambry Variant Classification Scheme 2023. Collection method: clinical testing. Allele origin: germline.

Illumina Laboratory Services, Illumina
Classification: Likely benign for Ehlers-Danlos syndrome, classic type, 2. Last evaluated: 2018-01-12. Review status: criteria provided, single submitter. Criteria: ICSL Variant Classification Criteria 13 December 2019. Collection method: clinical testing. Allele origin: germline.
Comment: This variant was observed in the ICSL laboratory as part of a predisposition screen in an ostensibly healthy population. It had not been previously curated by ICSL or reported in the Human Gene Mutation Database (HGMD: prior to June 1st, 2018), and was therefore a candidate for classification through an automated scoring system. Utilizing variant allele frequency, disease prevalence and penetrance estimates, and inheritance mode, an automated score was calculated to assess if this variant is too frequent to cause the disease. Based on the score and internal cut-off values, a variant classified as likely benign is not then subjected to further curation. The score for this variant resulted in a classification of likely benign for this disease.